The following is an entry in ClinVar:

ClinVar aggregate classification (germline): Likely pathogenic (1 of 4 stars; one submission).

gnomAD v4.1: 1 of 1,587,854 alleles (0.000063%); highest among the groups gnomAD compares: Non-Finnish European, 0.000086%; no homozygotes.

Submission:

Labcorp Genetics (formerly Invitae), Labcorp
Classification: Likely pathogenic. Last evaluated: 2020-12-26. Review status: criteria provided, single submitter. Criteria: Invitae Variant Classification Sherloc (09022015). Collection method: clinical testing. Allele origin: germline.
Comment: This sequence change affects a donor splice site in intron 54 of the ADGRV1 gene. It is expected to disrupt RNA splicing. Variants that disrupt the donor or acceptor splice site typically lead to a loss of protein function (PMID: 16199547), and loss-of-function variants in ADGRV1 are known to be pathogenic (PMID: 19357117, 22135276, 22147658, 26667666, 30029497). This variant is not present in population databases (ExAC no frequency). This variant has not been reported in the literature in individuals with ADGRV1-related conditions. Algorithms developed to predict the effect of sequence changes on RNA splicing suggest that this variant may disrupt the consensus splice site, but this prediction has not been confirmed by published transcriptional studies. In summary, the currently available evidence indicates that the variant is pathogenic, but additional data are needed to prove that conclusively. Therefore, this variant has been classified as Likely Pathogenic.

Literature cited by the submitters: PubMed 16199547; PubMed 19357117; PubMed 22135276; PubMed 22147658; PubMed 26667666; PubMed 30029497.

NM_032119.4(ADGRV1):c.11377+1G>A

Gene: ADGRV1 (adhesion G protein-coupled receptor V1; plus strand). Cytogenetic location: 5q14.3.
Variant type: single nucleotide variant.
Coding change: c.11377+1G>A on transcript NM_032119.4 (MANE Select); the canonical splice donor site of the intron after coding-DNA position 11377, G replaced by A.
Molecular consequence: splice donor variant.
Genome position (GRCh38, 1-based): chr5:90,753,830, G>A. VCF-style: chr5-90753830-G-A. GRCh37 (hg19) VCF-style: chr5-90049647-G-A.
Identifiers: ClinVar variation 1510277 (VCV001510277.8), dbSNP rs2149966329, ClinGen allele CA360365566.